The following is an entry in ClinVar:

NM_005475.3(SH2B3):c.1579C>T (p.His527Tyr)

Gene: SH2B3 (SH2B adaptor protein 3; plus strand). Cytogenetic location: 12q24.12.
Variant type: single nucleotide variant.
Coding change: c.1579C>T on transcript NM_005475.3 (MANE Select); coding-DNA position 1579, C replaced by T.
Protein change: p.His527Tyr; replaces histidine 527 with tyrosine.
Molecular consequence: missense variant.
Genome position (GRCh38, 1-based): chr12:111,448,153, C>T. VCF-style: chr12-111448153-C-T. GRCh37 (hg19) VCF-style: chr12-111885957-C-T.
Other names: c.973C>T, p.His325Tyr (NM_001291424.1); short protein forms H325Y, H527Y.
Identifiers: ClinVar variation 3953532 (VCV003953532.1).
Genomic context (GRCh38, chr12:111,448,153, plus strand): 5'-CCCCGGGGGCTCAGCCCAGAGGGTCTCCCAGGGCGATCCTCACCCCCCGAGCAGATCTTC[C>T]ACCTGGTGCCTTCGCCCGAAGAACTGGCCAACAGCCTGCAGCACCTGGAGCATGAGCCTG-3'
Protein context (NP_005466.1, residues 517-537): GRSSPPEQIF[His527Tyr]LVPSPEELAN

ClinVar aggregate classification (germline): Uncertain significance (1 of 4 stars; one submission).

Conditions:
Inborn genetic diseases. Identifiers: MedGen C0950123, MeSH D030342.

gnomAD v4.1: 1 of 1,614,182 alleles (0.000062%); highest among the groups gnomAD compares: Non-Finnish European, 0.000085%; no homozygotes.

Submission:

Ambry Genetics
Classification: Uncertain significance for Inborn genetic diseases. Last evaluated: 2025-05-27. Review status: criteria provided, single submitter. Criteria: Ambry Variant Classification Scheme 2023. Collection method: clinical testing. Allele origin: germline.
Comment: The p.H527Y variant (also known as c.1579C>T), located in coding exon 7 of the SH2B3 gene, results from a C to T substitution at nucleotide position 1579. The histidine at codon 527 is replaced by tyrosine, an amino acid with similar properties. This amino acid position is conserved. In addition, this alteration is predicted to be tolerated by in silico analysis. Based on the available evidence, the clinical significance of this variant remains unclear.